The following is an entry in ClinVar:

ClinVar aggregate classification (germline): Uncertain significance (1 of 4 stars; one submission).

Allele frequency attached by ClinVar (database versions not stated): ExAC 0.00002; gnomAD exomes 0.00002 and 0.00003.
gnomAD v4.1: 9 of 1,597,866 alleles (0.00056%); highest among the groups gnomAD compares: South Asian, 0.01%; 1 homozygote.

Submission:

Labcorp Genetics (formerly Invitae), Labcorp
Classification: Uncertain significance. Last evaluated: 2025-10-23. Review status: criteria provided, single submitter. Criteria: Invitae Variant Classification Sherloc (09022015). Collection method: clinical testing. Allele origin: germline.
Comment: This sequence change replaces aspartic acid, which is acidic and polar, with tyrosine, which is neutral and polar, at codon 693 of the PRDM13 protein (p.Asp693Tyr). This variant is present in population databases (rs764847031, gnomAD 0.02%). This variant has not been reported in the literature in individuals affected with PRDM13-related conditions. ClinVar contains an entry for this variant (Variation ID: 1480183). An algorithm developed to predict the effect of missense changes on protein structure and function (PolyPhen-2) suggests that this variant is likely to be disruptive. In summary, the available evidence is currently insufficient to determine the role of this variant in disease. Therefore, it has been classified as a Variant of Uncertain Significance.

NM_021620.4(PRDM13):c.2077G>T (p.Asp693Tyr)

Gene: PRDM13 (PR/SET domain 13; plus strand). Cytogenetic location: 6q16.2.
Variant type: single nucleotide variant.
Coding change: c.2077G>T on transcript NM_021620.4 (MANE Select); coding-DNA position 2077, G replaced by T.
Protein change: p.Asp693Tyr; replaces aspartic acid 693 with tyrosine.
Molecular consequence: missense variant.
Genome position (GRCh38, 1-based): chr6:99,614,712, G>T. VCF-style: chr6-99614712-G-T. GRCh37 (hg19) VCF-style: chr6-100062588-G-T.
Other names: short protein forms D693Y.
Identifiers: ClinVar variation 1480183 (VCV001480183.8), dbSNP rs764847031, ClinGen allele CA3936499.